The following is an entry in ClinVar:

ClinVar aggregate classification (germline): Pathogenic. Review status: criteria provided, multiple submitters, no conflicts (2 of 4 stars). 2 submissions from 2 submitters: Pathogenic (2). Last evaluated 2024-08-30.

Conditions:
Wiskott-Aldrich syndrome (WAS). Also called: WISKOTT-ALDRICH SYNDROME 1; ALDRICH SYNDROME; IMMUNODEFICIENCY 2; Wiskott-aldrich syndrome, somatic. Identifiers: Orphanet 906, MedGen C0043194, MONDO:0010518, OMIM 301000.
Thrombocytopenia 1. Also called: X-Linked Thrombocytopenia (XLT); THROMBOCYTOPENIA, X-LINKED, 1; X-linked thrombocytopenia with normal platelets. Identifiers: Orphanet 268322, Orphanet 852, MedGen C1839163, MONDO:0010743, OMIM 313900.
X-linked severe congenital neutropenia (SCNX). Identifiers: Orphanet 86788, MedGen C1845987, MONDO:0010294, OMIM 300299.

Submissions (2):

Labcorp Genetics (formerly Invitae), Labcorp
Classification: Pathogenic for Wiskott-Aldrich syndrome; X-linked severe congenital neutropenia; Thrombocytopenia 1. Last evaluated: 2024-08-30. Review status: criteria provided, single submitter. Criteria: Invitae Variant Classification Sherloc (09022015). Collection method: clinical testing. Allele origin: germline.
Comment: This sequence change affects a donor splice site in intron 2 of the WAS gene. It is expected to disrupt RNA splicing. Variants that disrupt the donor or acceptor splice site typically lead to a loss of protein function (PMID: 16199547), and loss-of-function variants in WAS are known to be pathogenic (PMID: 15284122). This variant is not present in population databases (gnomAD no frequency). Disruption of this splice site has been observed in individuals with Wiskott-Aldrich syndrome (PMID: 15284122). ClinVar contains an entry for this variant (Variation ID: 419739). Algorithms developed to predict the effect of sequence changes on RNA splicing suggest that this variant may disrupt the consensus splice site. For these reasons, this variant has been classified as Pathogenic.

GeneDx
Classification: Pathogenic. Last evaluated: 2015-08-14. Review status: criteria provided, single submitter. Criteria: GeneDx Variant Classification (06012015). Collection method: clinical testing. Allele origin: germline. Affected: yes.
Comment: The c.273+1 G>A splice site variant in the WAS gene has been previously reported in association with Wiskott-Aldrich Syndrome (Jin et al., 2004). This variant destroys the canonical splice donor site in intron 2, and is expected to cause abnormal gene splicing. c.273+1 G>A was not observed in approximately 6,500 individuals of European and African American ancestry in theNHLBI Exome Sequencing Project, indicating it is not a common benign variant in these populations. Therefore, we interpret c.273+1 G>A as a pathogenic variant.

Literature cited by the submitters: PubMed 16199547 (cited by Labcorp Genetics (formerly Invitae), Labcorp); PubMed 15284122 (cited by Labcorp Genetics (formerly Invitae), Labcorp).

NM_000377.3(WAS):c.273+1G>A

Gene: WAS (WASP actin nucleation promoting factor; plus strand). Cytogenetic location: Xp11.23.
Variant type: single nucleotide variant.
Coding change: c.273+1G>A on transcript NM_000377.3 (MANE Select); the canonical splice donor site of the intron after coding-DNA position 273, G replaced by A.
Molecular consequence: splice donor variant.
Genome position (GRCh38, 1-based): chrX:48,684,424, G>A. VCF-style: chrX-48684424-G-A. GRCh37 (hg19) VCF-style: chrX-48542813-G-A.
Identifiers: ClinVar variation 419739 (VCV000419739.4), dbSNP rs1064794076, ClinGen allele CA16621418.
Genomic context (GRCh38, chrX:48,684,424, plus strand): 5'-GTGTGCTTCGTGAAGGATAACCCCCAGAAGTCCTACTTCATCCGCCTTTACGGCCTTCAG[G>A]TGACCCCCCCACCCCCGACTGGACTTGCAAGCCAGTTCTCAACCCGCAAACCCAGATCTG-3'